The following is an entry in ClinVar:

NM_177438.3(DICER1):c.5095+5G>A

Gene: DICER1 (dicer 1, ribonuclease III; minus strand). Cytogenetic location: 14q32.13.
Variant type: single nucleotide variant.
Coding change: c.5095+5G>A on transcript NM_177438.3 (MANE Select); 5 bases into the intron after coding-DNA position 5095, G replaced by A.
Molecular consequence: intron variant. On other transcripts: synonymous variant (5).
Genome position (GRCh38, 1-based): chr14:95,095,820, C>T on the plus strand (G>A on the coding strand, the complement: DICER1 is on the minus strand). VCF-style: chr14-95095820-C-T. GRCh37 (hg19) VCF-style: chr14-95562157-C-T.
Other names: c.5095+5G>A (NM_001395680.1, NM_001395684.1, NM_001395683.1 and 8 more transcripts); c.4690+5G>A (NM_001395687.1, NM_001395689.1, NM_001395688.1 and 1 more transcripts); c.4813+5G>A (NM_001395686.1); c.4528+5G>A (NM_001395691.1); c.3412+5G>A (NM_001395697.1); c.5100G>A, p.Lys1700= (NM_001395692.1, NM_001395693.1, NM_001395694.1 and 1 more transcripts); c.4695G>A, p.Lys1565= (NM_001395696.1).
Identifiers: ClinVar variation 4240491 (VCV004240491.1).
Genomic context (GRCh38, chr14:95,095,820, plus strand): 5'-AACACGATGAGATCAACACAAAGTCTCATTTTCCCAGAAATGAAGTCTGGTCGTGGGCTC[C>T]TTACCAGTGATAGTATTGTAGTGGTAGGAGGCATGTGTAAAAGCCTGGAGAAGGTAAGCC-3'

ClinVar aggregate classification (germline): Uncertain significance (1 of 4 stars; one submission).

Conditions:
Hereditary cancer-predisposing syndrome. Also called: Hereditary Cancer Syndrome; Hereditary neoplastic syndrome; Neoplastic Syndromes, Hereditary; Tumor predisposition. Identifiers: Orphanet 140162, MedGen C0027672, MeSH D009386, MONDO:0015356.

Submission:

Ambry Genetics
Classification: Uncertain significance for Hereditary cancer-predisposing syndrome. Last evaluated: 2025-06-26. Review status: criteria provided, single submitter. Criteria: Ambry Variant Classification Scheme 2023. Collection method: clinical testing. Allele origin: germline.
Comment: The c.5095+5G>A intronic variant results from a G to A substitution 5 nucleotides after coding exon 22 in the DICER1 gene. This nucleotide position is highly conserved in available vertebrate species. In silico splice site analysis predicts that this alteration may weaken the native splice donor site; however, direct evidence is insufficient at this time (Ambry internal data). Based on the available evidence, the clinical significance of this variant remains unclear.